The following is an entry in ClinVar:

NM_025179.4(PLXNA2):c.1807G>A (p.Glu603Lys)

Gene: PLXNA2 (plexin A2; minus strand). Cytogenetic location: 1q32.2.
Variant type: single nucleotide variant.
Coding change: c.1807G>A on transcript NM_025179.4 (MANE Select); coding-DNA position 1807, G replaced by A.
Protein change: p.Glu603Lys; replaces glutamic acid 603 with lysine.
Molecular consequence: missense variant.
Genome position (GRCh38, 1-based): chr1:208,096,808, C>T on the plus strand (G>A on the coding strand, the complement: PLXNA2 is on the minus strand). VCF-style: chr1-208096808-C-T. GRCh37 (hg19) VCF-style: chr1-208270153-C-T.
Other names: short protein forms E603K.
Identifiers: ClinVar variation 4984529 (VCV004984529.1).

ClinVar aggregate classification (germline): Uncertain significance (1 of 4 stars; one submission).

Conditions:
PLXNA2-related disorder. Also called: PLXNA2-related condition.

gnomAD v4.1: 2 of 1,614,014 alleles (0.00012%); highest among the groups gnomAD compares: African/African-American, 0.0027%; no homozygotes.

Submission:

PreventionGenetics, part of Exact Sciences
Classification: Uncertain significance for PLXNA2-related condition. Last evaluated: 2025-02-24. Review status: criteria provided, single submitter. Criteria: ACMG Guidelines, 2015. Collection method: clinical testing. Allele origin: germline.
Comment: The PLXNA2 c.1807G>A variant is predicted to result in the amino acid substitution p.Glu603Lys. To our knowledge, this variant has not been reported in the literature. This variant is reported in 0.0062% of alleles in individuals of African descent in gnomAD. At this time, the clinical significance of this variant is uncertain due to the absence of conclusive functional and genetic evidence.